The following is an entry in ClinVar:

NM_001122630.2(CDKN1C):c.496G>A (p.Val166Ile)

Gene: CDKN1C (cyclin dependent kinase inhibitor 1C; minus strand). Cytogenetic location: 11p15.4.
Variant type: single nucleotide variant.
Coding change: c.496G>A on transcript NM_001122630.2 (MANE Select); coding-DNA position 496, G replaced by A.
Protein change: p.Val166Ile; replaces valine 166 with isoleucine.
Molecular consequence: missense variant. On other transcripts: intron variant (1).
Genome position (GRCh38, 1-based): chr11:2,884,961, C>T on the plus strand (G>A on the coding strand, the complement: CDKN1C is on the minus strand). VCF-style: chr11-2884961-C-T. GRCh37 (hg19) VCF-style: chr11-2906191-C-T.
Other names: c.529G>A, p.Val177Ile (LRG_533t1, NM_000076.2, NM_001362474.2); c.496G>A, p.Val166Ile (NM_001122631.2); c.255+241G>A (NM_001362475.2); short protein forms V177I, V166I.
Identifiers: ClinVar variation 404243 (VCV000404243.9), dbSNP rs1060500174, ClinGen allele CA16613549.

ClinVar aggregate classification (germline): Uncertain significance. Review status: criteria provided, multiple submitters, no conflicts (2 of 4 stars). 2 submissions from 2 submitters: Uncertain significance (2). Last evaluated 2025-05-17.

Conditions:
Inborn genetic diseases. Identifiers: MedGen C0950123, MeSH D030342.
Beckwith-Wiedemann syndrome (BWS). Also called: EMG SYNDROME; Exomphalos macroglossia gigantism syndrome. Identifiers: Orphanet 116, MedGen C0004903, MONDO:0007534, OMIM 130650.

Allele frequency attached by ClinVar (database versions not stated): gnomAD exomes below 0.00001; TOPMed below 0.00001.

Submissions (2):

Ambry Genetics
Classification: Uncertain significance for Inborn genetic diseases. Last evaluated: 2025-05-17. Review status: criteria provided, single submitter. Criteria: Ambry Variant Classification Scheme 2023. Collection method: clinical testing. Allele origin: germline.

Labcorp Genetics (formerly Invitae), Labcorp
Classification: Uncertain significance for Beckwith-Wiedemann syndrome. Last evaluated: 2025-03-09. Review status: criteria provided, single submitter. Criteria: Invitae Variant Classification Sherloc (09022015). Collection method: clinical testing. Allele origin: germline.
Comment: This sequence change replaces valine, which is neutral and non-polar, with isoleucine, which is neutral and non-polar, at codon 177 of the CDKN1C protein (p.Val177Ile). The frequency data for this variant in the population databases is considered unreliable, as metrics indicate insufficient coverage at this position in the gnomAD database. This variant has not been reported in the literature in individuals affected with CDKN1C-related conditions. ClinVar contains an entry for this variant (Variation ID: 404243). Invitae Evidence Modeling of protein sequence and biophysical properties (such as structural, functional, and spatial information, amino acid conservation, physicochemical variation, residue mobility, and thermodynamic stability) indicates that this missense variant is not expected to disrupt CDKN1C protein function with a negative predictive value of 80%. In summary, the available evidence is currently insufficient to determine the role of this variant in disease. Therefore, it has been classified as a Variant of Uncertain Significance.